The following is an entry in ClinVar:

ClinVar aggregate classification (germline): Likely benign (1 of 4 stars; one submission).

Allele frequency attached by ClinVar (database versions not stated): 1000 Genomes Project 0.00140; 1000 Genomes Project 30x 0.00156; TOPMed 0.00237; ESP Exome Variant Server 0.00269; ExAC 0.00276.
gnomAD v4.1: 5,144 of 1,614,012 alleles (0.32%); highest among the groups gnomAD compares: Middle Eastern, 0.45%; 13 homozygotes.

Submission:

CeGaT Center for Human Genetics Tuebingen
Classification: Likely benign. Last evaluated: 2023-04-01. Review status: criteria provided, single submitter. Criteria: CeGaT Center For Human Genetics Tuebingen Variant Classification Criteria Version 2. Collection method: clinical testing. Allele origin: germline. Affected: yes. Observed: 1 variant allele.
Comment: SLC22A2: BP4, BP7, BS2

NM_003058.4(SLC22A2):c.1203C>T (p.Ile401=)

Gene: SLC22A2 (solute carrier family 22 member 2; minus strand). Cytogenetic location: 6q25.3.
Variant type: single nucleotide variant.
Coding change: c.1203C>T on transcript NM_003058.4 (MANE Select); coding-DNA position 1203, C replaced by T.
Protein change: p.Ile401=; no amino-acid change (isoleucine 401 retained).
Molecular consequence: synonymous variant.
Genome position (GRCh38, 1-based): chr6:160,243,648, G>A on the plus strand (C>T on the coding strand, the complement: SLC22A2 is on the minus strand). VCF-style: chr6-160243648-G-A. GRCh37 (hg19) VCF-style: chr6-160664680-G-A.
Identifiers: ClinVar variation 2657109 (VCV002657109.24), dbSNP rs8177515, ClinGen allele CA4084396.
Genomic context (GRCh38, chr6:160,243,648, plus strand): 5'-TGAGGCCAGACAGGCTGCCCCTGCAACCATATTTGATGCAGCCCAAGGGTAACGGCGTCC[G>A]ATGCGGTCGATGGTGAGGATGATCATGAAGGCAGCTGGGAATTCAACCAGGGCAGAGTAG-3'
Protein context (NP_003049.2, residues 391-411): AFMIILTIDR[Ile401=]GRRYPWAASN